The following is an entry in ClinVar:

NM_005055.5(RAPSN):c.576T>C (p.Leu192=)

Gene: RAPSN (receptor associated protein of the synapse; minus strand). Cytogenetic location: 11p11.2.
Variant type: single nucleotide variant.
Coding change: c.576T>C on transcript NM_005055.5 (MANE Select); coding-DNA position 576, T replaced by C.
Protein change: p.Leu192=; no amino-acid change (leucine 192 retained).
Molecular consequence: synonymous variant.
Genome position (GRCh38, 1-based): chr11:47,442,770, A>G on the plus strand (T>C on the coding strand, the complement: RAPSN is on the minus strand). VCF-style: chr11-47442770-A-G. GRCh37 (hg19) VCF-style: chr11-47464322-A-G.
Other names: c.576T>C, p.Leu192= (NM_032645.5).
Identifiers: ClinVar variation 1156857 (VCV001156857.23), dbSNP rs745749798, ClinGen allele CA5976699.
Genomic context (GRCh38, chr11:47,442,770, plus strand): 5'-CATGTGGTACTGGCTCATGGCCCGGTACTTCAGGCTCCAGCCTTTGCCATAGTTGTTGAC[A>G]AGCTCTGCCGCCTTGCAGGGGAAGAACAGGGCTTTCTCGTAGTCCTGCAGGGGACATGGA-3'
Protein context (NP_005046.2, residues 182-202): ALFFPCKAAE[Leu192=]VNNYGKGWSL

ClinVar aggregate classification (germline): Likely benign. Review status: criteria provided, multiple submitters, no conflicts (2 of 4 stars). 2 submissions from 2 submitters: Likely benign (2). Last evaluated 2025-10-02.

Conditions:
Fetal akinesia deformation sequence 1 (FADS1). Also called: Fetal akinesia sequence; Pena-Shokeir syndrome type I. Identifiers: Orphanet 994, MedGen C1276035, MONDO:0100101, OMIM 208150, HP:0001989.
Congenital myasthenic syndrome 11. Also called: MYASTHENIC SYNDROME, CONGENITAL, Ie; Myasthenic syndrome, congenital, 11, associated with acetylcholine receptor deficiency. Identifiers: Orphanet 590, MedGen C4225367, MONDO:0014588, OMIM 616326.

Allele frequency attached by ClinVar (database versions not stated): gnomAD exomes 0.00001; ExAC 0.00002.
gnomAD v4.1: 8 of 1,614,246 alleles (0.0005%); highest among the groups gnomAD compares: Middle Eastern, 0.016%; no homozygotes.

Submissions (2):

Labcorp Genetics (formerly Invitae), Labcorp
Classification: Likely benign for Congenital myasthenic syndrome 11; Fetal akinesia deformation sequence 1. Last evaluated: 2025-10-02. Review status: criteria provided, single submitter. Criteria: Invitae Variant Classification Sherloc (09022015). Collection method: clinical testing. Allele origin: germline.

CeGaT Center for Human Genetics Tuebingen
Classification: Likely benign. Last evaluated: 2024-11-01. Review status: criteria provided, single submitter. Criteria: CeGaT Center For Human Genetics Tuebingen Variant Classification Criteria Version 2. Collection method: clinical testing. Allele origin: germline. Affected: yes. Observed: 1 variant allele.
Comment: RAPSN: BP4, BP7